The following is an entry in ClinVar:

NM_000235.4(LIPA):c.539-3C>T

Gene: LIPA (lipase A, lysosomal acid type; minus strand). Cytogenetic location: 10q23.31.
Variant type: single nucleotide variant.
Coding change: c.539-3C>T on transcript NM_000235.4 (MANE Select); 3 bases into the intron before coding-DNA position 539, C replaced by T.
Molecular consequence: intron variant.
Genome position (GRCh38, 1-based): chr10:89,225,231, G>A on the plus strand (C>T on the coding strand, the complement: LIPA is on the minus strand). VCF-style: chr10-89225231-G-A. GRCh37 (hg19) VCF-style: chr10-90984988-G-A.
Other names: c.191-3C>T (NM_001288979.2); c.539-3C>T (NM_001127605.3).
Identifiers: ClinVar variation 502629 (VCV000502629.11), dbSNP rs376809019, ClinGen allele CA5593684.

ClinVar aggregate classification (germline): Uncertain significance. Review status: criteria provided, multiple submitters, no conflicts (2 of 4 stars). 2 submissions from 2 submitters: Uncertain significance (2). Last evaluated 2023-11-28.

Conditions:
Wolman disease (WOLD). Also called: Acid cholesteryl ester hydrolase deficiency, Wolman type; Acid lipase disease; Wolman disease with hypolipoproteinemia and acanthocytosis; LYSOSOMAL ACID LIPASE DEFICIENCY, ACUTE INFANTILE; LYSOSOMAL ACID LIPASE DEFICIENCY, COMPLETE; LIPA DEFICIENCY, COMPLETE. Identifiers: Orphanet 75233, MedGen C0043208, MONDO:0019148, OMIM 620151.

Allele frequency attached by ClinVar (database versions not stated): gnomAD exomes 0.00004 and 0.00001; gnomAD 0.00007 and 0.00006; 1000 Genomes Project 30x 0.00016; ExAC 0.00006; TOPMed 0.00008; 1000 Genomes Project 0.00020; ESP Exome Variant Server 0.00031.
gnomAD v4.1: 26 of 1,614,134 alleles (0.0016%); highest among the groups gnomAD compares: African/African-American, 0.024%; no homozygotes.

Submissions (2):

Labcorp Genetics (formerly Invitae), Labcorp
Classification: Uncertain significance for Wolman disease. Last evaluated: 2023-11-28. Review status: criteria provided, single submitter. Criteria: Invitae Variant Classification Sherloc (09022015). Collection method: clinical testing. Allele origin: germline.
Comment: This sequence change falls in intron 5 of the LIPA gene. It does not directly change the encoded amino acid sequence of the LIPA protein. It affects a nucleotide within the consensus splice site. This variant is present in population databases (rs376809019, gnomAD 0.06%). This variant has not been reported in the literature in individuals affected with LIPA-related conditions. ClinVar contains an entry for this variant (Variation ID: 502629). Variants that disrupt the consensus splice site are a relatively common cause of aberrant splicing (PMID: 17576681, 9536098). Algorithms developed to predict the effect of sequence changes on RNA splicing suggest that this variant is not likely to affect RNA splicing. In summary, the available evidence is currently insufficient to determine the role of this variant in disease. Therefore, it has been classified as a Variant of Uncertain Significance.

Eurofins Ntd Llc (ga)
Classification: Uncertain significance. Last evaluated: 2017-06-21. Review status: criteria provided, single submitter. Criteria: EGL Classification Definitions 2015. Collection method: clinical testing. Allele origin: germline. Observed: 1 variant allele, 1 heterozygote.

Literature cited by the submitters: PubMed 17576681 (cited by Labcorp Genetics (formerly Invitae), Labcorp); PubMed 9536098 (cited by Labcorp Genetics (formerly Invitae), Labcorp).